The following is an entry in ClinVar:

NM_006214.4(PHYH):c.609C>G (p.Asn203Lys)

Gene: PHYH (phytanoyl-CoA 2-hydroxylase; minus strand). Cytogenetic location: 10p13.
Variant type: single nucleotide variant.
Coding change: c.609C>G on transcript NM_006214.4 (MANE Select); coding-DNA position 609, C replaced by G.
Protein change: p.Asn203Lys; replaces asparagine 203 with lysine.
Molecular consequence: missense variant. On other transcripts: intron variant (1).
Genome position (GRCh38, 1-based): chr10:13,288,429, G>C on the plus strand (C>G on the coding strand, the complement: PHYH is on the minus strand). VCF-style: chr10-13288429-G-C. GRCh37 (hg19) VCF-style: chr10-13330429-G-C.
Other names: c.309C>G, p.Asn103Lys (NM_001037537.2, NM_001323080.2); c.615C>G, p.Asn205Lys (NM_001323082.2); c.315C>G, p.Asn105Lys (NM_001323084.2); c.415-4590C>G (NM_001323083.2); short protein forms N103K, N105K, N203K, N205K.
Identifiers: ClinVar variation 1062074 (VCV001062074.6), dbSNP rs775543889, ClinGen allele CA5412301.
Genomic context (GRCh38, chr10:13,288,429, plus strand): 5'-GGGGTAATCGTGGGGCTTCAGGGAGCCCTTGTGTGTGCCTGGGAGCACAACCAGACAGCC[G>C]TTGTTCCGGCTGATGTGCTCCATCGCCGTCCAGGCGCAAACGATGAGATCGCTGGGCCTG-3'
Protein context (NP_006205.1, residues 193-213): WTAMEHISRN[Asn203Lys]GCLVVLPGTH

ClinVar aggregate classification (germline): Uncertain significance (1 of 4 stars; one submission).

Allele frequency attached by ClinVar (database versions not stated): gnomAD 0.00001; TOPMed 0.00004.
gnomAD v4.1: 8 of 1,614,088 alleles (0.0005%); highest among the groups gnomAD compares: Admixed American, 0.013%; no homozygotes.

Submission:

Labcorp Genetics (formerly Invitae), Labcorp
Classification: Uncertain significance. Last evaluated: 2022-09-01. Review status: criteria provided, single submitter. Criteria: Invitae Variant Classification Sherloc (09022015). Collection method: clinical testing. Allele origin: germline.
Comment: This sequence change replaces asparagine, which is neutral and polar, with lysine, which is basic and polar, at codon 203 of the PHYH protein (p.Asn203Lys). This variant is present in population databases (rs775543889, gnomAD 0.02%). This variant has not been reported in the literature in individuals affected with PHYH-related conditions. ClinVar contains an entry for this variant (Variation ID: 1062074). Algorithms developed to predict the effect of missense changes on protein structure and function (SIFT, PolyPhen-2, Align-GVGD) all suggest that this variant is likely to be disruptive. In summary, the available evidence is currently insufficient to determine the role of this variant in disease. Therefore, it has been classified as a Variant of Uncertain Significance.